The following is an entry in ClinVar:

ClinVar aggregate classification (germline): Conflicting classifications of pathogenicity. Review status: criteria provided, conflicting classifications (1 of 4 stars). 5 submissions from 5 submitters: Uncertain significance (2); Likely benign (2). 1 of the submissions does not count toward it. Last evaluated 2025-12-03.

Conditions:
Ehlers-Danlos syndrome (EDS). Identifiers: Orphanet 98249, MedGen C0013720, MONDO:0020066.
Cardiovascular phenotype. Identifiers: MedGen CN230736.
COL1A2-related disorder. Also called: COL1A2-Related Disorders; COL1A2-related condition.
Osteogenesis imperfecta type I (OI1). Also called: Lobstein's Disease; Classic Non-deforming Osteogenesis Imperfecta with Blue Sclerae; Lobstein disease; OI, TYPE I; OSTEOGENESIS IMPERFECTA TARDA; OSTEOGENESIS IMPERFECTA WITH BLUE SCLERAE. Identifiers: Orphanet 216796, Orphanet 666, MedGen C0023931, MONDO:0008146, OMIM 166200. Disease mechanism: loss of function.
Ehlers-Danlos syndrome, classic type, 1 (EDSCL1). Also called: Ehlers-Danlos syndrome, type 1; Ehlers-Danlos Syndrome, Classic Type, COL5A1-Related; EDS I; EHLERS-DANLOS SYNDROME, GRAVIS TYPE; EHLERS-DANLOS SYNDROME, SEVERE CLASSIC TYPE. Identifiers: MedGen C0268335, MONDO:0019567, OMIM 130000.

Allele frequency attached by ClinVar (database versions not stated): 1000 Genomes Project 30x 0.00078; TOPMed 0.00072; ESP Exome Variant Server 0.00085; 1000 Genomes Project 0.00100.
gnomAD v4.1: 154 of 1,614,160 alleles (0.0095%); highest among the groups gnomAD compares: African/African-American, 0.17%; no homozygotes.

Submissions (5):

Labcorp Genetics (formerly Invitae), Labcorp
Classification: Likely benign for Osteogenesis imperfecta type I; Ehlers-Danlos syndrome, classic type, 1. Last evaluated: 2025-12-03. Review status: criteria provided, single submitter. Criteria: Invitae Variant Classification Sherloc (09022015). Collection method: clinical testing. Allele origin: germline.

GeneDx
Classification: Uncertain significance. Last evaluated: 2025-06-23. Review status: criteria provided, single submitter. Criteria: GeneDx Variant Classification Process June 2021. Collection method: clinical testing. Allele origin: germline. Affected: yes.
Comment: Has not been published as pathogenic or benign in association with a COL1A2-related disorder to our knowledge; Occurs in the triple helical domain at the Y position in the canonical Gly-X-Y repeat. Although this variant may have an effect on normal protein folding and function, missense substitution at the Y position is not a common mechanism of disease (HGMD); In silico analysis supports that this missense variant has a deleterious effect on protein structure/function; This variant is associated with the following publications: (PMID: 28346524)

Ambry Genetics
Classification: Likely benign for Cardiovascular phenotype. Last evaluated: 2023-09-05. Review status: criteria provided, single submitter. Criteria: Ambry Variant Classification Scheme 2023. Collection method: clinical testing. Allele origin: germline.

Genome Diagnostics Laboratory, The Hospital for Sick Children
Classification: Uncertain significance for Ehlers-Danlos syndrome. Last evaluated: 2020-06-01. Review status: criteria provided, single submitter. Criteria: ACMG Guidelines, 2015. Collection method: clinical testing. Allele origin: germline.

PreventionGenetics, part of Exact Sciences
Classification: Likely benign for COL1A2-related condition. Last evaluated: 2024-05-14. Review status: no assertion criteria provided. Collection method: clinical testing. Allele origin: germline. Not counted in ClinVar's aggregate classification.
Comment: This variant is classified as likely benign based on ACMG/AMP sequence variant interpretation guidelines (Richards et al. 2015 PMID: 25741868, with internal and published modifications).

Literature cited by the submitters: PubMed 28346524 (cited by Ambry Genetics).

NM_000089.4(COL1A2):c.880G>T (p.Val294Phe)

Gene: COL1A2 (collagen type I alpha 2 chain; plus strand). Cytogenetic location: 7q21.3.
Variant type: single nucleotide variant.
Coding change: c.880G>T on transcript NM_000089.4 (MANE Select); coding-DNA position 880, G replaced by T.
Protein change: p.Val294Phe; replaces valine 294 with phenylalanine.
Molecular consequence: missense variant.
Genome position (GRCh38, 1-based): chr7:94,409,409, G>T. VCF-style: chr7-94409409-G-T. GRCh37 (hg19) VCF-style: chr7-94038721-G-T.
Other names: short protein forms V294F.
Identifiers: ClinVar variation 772979 (VCV000772979.22), dbSNP rs145693444, ClinGen allele CA4346851.